The following is an entry in ClinVar:

NM_001429.4(EP300):c.3842G>A (p.Arg1281Gln)

Gene: EP300 (EP300 lysine acetyltransferase; plus strand). Cytogenetic location: 22q13.2.
Variant type: single nucleotide variant.
Coding change: c.3842G>A on transcript NM_001429.4 (MANE Select); coding-DNA position 3842, G replaced by A.
Protein change: p.Arg1281Gln; replaces arginine 1281 with glutamine.
Molecular consequence: missense variant.
Genome position (GRCh38, 1-based): chr22:41,166,634, G>A. VCF-style: chr22-41166634-G-A. GRCh37 (hg19) VCF-style: chr22-41562638-G-A.
Other names: c.3764G>A, p.Arg1255Gln (NM_001362843.2); short protein forms R1255Q, R1281Q.
Identifiers: ClinVar variation 1188390 (VCV001188390.5), dbSNP rs764929476, ClinGen allele CA10253269.
Genomic context (GRCh38, chr22:41,166,634, plus strand): 5'-AAGCAAAGTTTTGGTTTACATTTAGATTCGTCTGTGATGGCTGTTTAAAGAAAAGTGCAC[G>A]AACTAGGAAAGAAAATAAGTTTTCTGCTAAAAGTAAGTTTTATTCTTAAAGGTAAATTTT-3'
Protein context (NP_001420.2, residues 1271-1291): VCDGCLKKSA[Arg1281Gln]TRKENKFSAK

ClinVar aggregate classification (germline): Conflicting classifications of pathogenicity. Review status: criteria provided, conflicting classifications (1 of 4 stars). 3 submissions from 3 submitters: Uncertain significance (2); Likely benign (1). Last evaluated 2026-09-24.

Conditions:
EP300-related disorder. Also called: EP300-related condition; EP300-related disorders.
Inborn genetic diseases. Identifiers: MedGen C0950123, MeSH D030342.

Allele frequency attached by ClinVar (database versions not stated): ExAC 0.00001; gnomAD exomes 0.00001.
gnomAD v4.1: 9 of 1,612,332 alleles (0.00056%); highest among the groups gnomAD compares: South Asian, 0.0022%; no homozygotes.

Submissions (3):

PreventionGenetics, part of Exact Sciences
Classification: Uncertain significance for EP300-related condition. Last evaluated: 2026-09-24. Review status: criteria provided, single submitter. Criteria: ACMG Guidelines, 2015. Collection method: clinical testing. Allele origin: germline.
Comment: The EP300 c.3842G>A variant is predicted to result in the amino acid substitution p.Arg1281Gln. This variant has been reported in the heterozygous state in an individual with isolated congenital heart disease (Sierant et al. 2025. PubMed ID: 40127276). This variant is reported in 0.0046% of alleles in individuals of European (Finnish) descent in gnomAD. This variant has conflicting interpretations of pathogenicity in ClinVar ranging from variant of uncertain significance to likely benign (Variation ID: 1188390). Although we suspect that this variant may be benign, at this time, the clinical significance of this variant is uncertain due to the absence of conclusive functional and genetic evidence.

Ambry Genetics
Classification: Likely benign for Inborn genetic diseases. Last evaluated: 2023-09-20. Review status: criteria provided, single submitter. Criteria: Ambry Variant Classification Scheme 2023. Collection method: clinical testing. Allele origin: germline.

GeneDx
Classification: Uncertain significance. Last evaluated: 2020-09-10. Review status: criteria provided, single submitter. Criteria: GeneDx Variant Classification Process June 2021. Collection method: clinical testing. Allele origin: germline. Affected: yes.
Comment: In silico analysis supports that this missense variant does not alter protein structure/function; Has not been previously published as pathogenic or benign to our knowledge